The following is an entry in ClinVar:

ClinVar aggregate classification (germline): Uncertain significance (1 of 4 stars; one submission).

Conditions:
Inborn genetic diseases. Identifiers: MedGen C0950123, MeSH D030342.

Submission:

Ambry Genetics
Classification: Uncertain significance for Inborn genetic diseases. Last evaluated: 2021-07-23. Review status: criteria provided, single submitter. Criteria: Ambry Variant Classification Scheme 2023. Collection method: clinical testing. Allele origin: germline.
Comment: The p.Q257H variant (also known as c.771G>C), located in coding exon 4 of the ATR gene, results from a G to C substitution at nucleotide position 771. The glutamine at codon 257 is replaced by histidine, an amino acid with highly similar properties. This amino acid position is conserved. In addition, this alteration is predicted to be tolerated by in silico analysis. Since supporting evidence is limited at this time, the clinical significance of this alteration remains unclear.

NM_001184.4(ATR):c.771G>C (p.Gln257His)

Gene: ATR (ATR checkpoint kinase; minus strand). Cytogenetic location: 3q23.
Variant type: single nucleotide variant.
Coding change: c.771G>C on transcript NM_001184.4 (MANE Select); coding-DNA position 771, G replaced by C.
Protein change: p.Gln257His; replaces glutamine 257 with histidine.
Molecular consequence: missense variant.
Genome position (GRCh38, 1-based): chr3:142,562,631, C>G on the plus strand (G>C on the coding strand, the complement: ATR is on the minus strand). VCF-style: chr3-142562631-C-G. GRCh37 (hg19) VCF-style: chr3-142281473-C-G.
Other names: c.771G>C, p.Gln257His (NM_001354579.2); short protein forms Q257H.
Identifiers: ClinVar variation 1760307 (VCV001760307.2), dbSNP rs1365867448, ClinGen allele CA354825580.